The following is an entry in ClinVar:

NM_000395.3(CSF2RB):c.2578C>T (p.Pro860Ser)

Gene: CSF2RB (colony stimulating factor 2 receptor subunit beta; plus strand). Cytogenetic location: 22q12.3.
Variant type: single nucleotide variant.
Coding change: c.2578C>T on transcript NM_000395.3 (MANE Select); coding-DNA position 2578, C replaced by T.
Protein change: p.Pro860Ser; replaces proline 860 with serine.
Molecular consequence: missense variant.
Genome position (GRCh38, 1-based): chr22:36,938,386, C>T. VCF-style: chr22-36938386-C-T. GRCh37 (hg19) VCF-style: chr22-37334428-C-T.
Other names: c.2596C>T, p.Pro866Ser (NM_001410827.1); short protein forms P866S, P860S.
Identifiers: ClinVar variation 2065950 (VCV002065950.4), dbSNP rs1383825092, ClinGen allele CA411411777.
Genomic context (GRCh38, chr22:36,938,386, plus strand): 5'-TCTTCCCCGGGACCCGGTCCTGAGATCAAGAACCTAGACCAGGCTTTTCAAGTCAAGAAG[C>T]CCCCAGGCCAGGCTGTGCCCCAGGTGCCCGTCATTCAGCTCTTCAAAGCCCTGAAGCAGC-3'
Protein context (NP_000386.1, residues 850-870): NLDQAFQVKK[Pro860Ser]PGQAVPQVPV

ClinVar aggregate classification (germline): Uncertain significance (1 of 4 stars; one submission).

Allele frequency attached by ClinVar (database versions not stated): TOPMed below 0.00001.
gnomAD v4.1: 7 of 1,614,160 alleles (0.00043%); highest among the groups gnomAD compares: African/African-American, 0.0067%; no homozygotes.

Submission:

Labcorp Genetics (formerly Invitae), Labcorp
Classification: Uncertain significance. Last evaluated: 2023-07-25. Review status: criteria provided, single submitter. Criteria: Invitae Variant Classification Sherloc (09022015). Collection method: clinical testing. Allele origin: germline.
Comment: In summary, the available evidence is currently insufficient to determine the role of this variant in disease. Therefore, it has been classified as a Variant of Uncertain Significance. An algorithm developed to predict the effect of missense changes on protein structure and function (PolyPhen-2) suggests that this variant is likely to be disruptive. ClinVar contains an entry for this variant (Variation ID: 2065950). This variant has not been reported in the literature in individuals affected with CSF2RB-related conditions. This variant is not present in population databases (gnomAD no frequency). This sequence change replaces proline, which is neutral and non-polar, with serine, which is neutral and polar, at codon 860 of the CSF2RB protein (p.Pro860Ser).